The following is an entry in ClinVar:

NM_001845.6(COL4A1):c.2375C>T (p.Ser792Phe)

Gene: COL4A1 (collagen type IV alpha 1 chain; minus strand). Cytogenetic location: 13q34.
Variant type: single nucleotide variant.
Coding change: c.2375C>T on transcript NM_001845.6 (MANE Select); coding-DNA position 2375, C replaced by T.
Protein change: p.Ser792Phe; replaces serine 792 with phenylalanine.
Molecular consequence: missense variant.
Genome position (GRCh38, 1-based): chr13:110,179,006, G>A on the plus strand (C>T on the coding strand, the complement: COL4A1 is on the minus strand). VCF-style: chr13-110179006-G-A. GRCh37 (hg19) VCF-style: chr13-110831353-G-A.
Other names: short protein forms S792F.
Identifiers: ClinVar variation 2083664 (VCV002083664.4), dbSNP rs1187779043, ClinGen allele CA388668447.
Genomic context (GRCh38, chr13:110,179,006, plus strand): 5'-CCTCCAGGGGGACCCCTAGCTCCAGGGGGGCCTATTCCTGGAACTCCTGGAGACCCCACG[G>A]AGCCTGGCAATCCAGGAGGTCCCGGTTCACCTGGAGAAGAAAAATTGAGAGTAAGCTGTA-3'
Protein context (NP_001836.3, residues 782-802): GEPGPPGLPG[Ser792Phe]VGSPGVPGIG

ClinVar aggregate classification (germline): Uncertain significance (1 of 4 stars; one submission).

Allele frequency attached by ClinVar (database versions not stated): gnomAD exomes below 0.00001; TOPMed below 0.00001; gnomAD 0.00005.
gnomAD v4.1: 10 of 1,611,634 alleles (0.00062%); highest among the groups gnomAD compares: Admixed American, 0.013%; no homozygotes.

Submission:

Labcorp Genetics (formerly Invitae), Labcorp
Classification: Uncertain significance. Last evaluated: 2022-05-19. Review status: criteria provided, single submitter. Criteria: Invitae Variant Classification Sherloc (09022015). Collection method: clinical testing. Allele origin: germline.
Comment: In summary, the available evidence is currently insufficient to determine the role of this variant in disease. Therefore, it has been classified as a Variant of Uncertain Significance. Advanced modeling of protein sequence and biophysical properties (such as structural, functional, and spatial information, amino acid conservation, physicochemical variation, residue mobility, and thermodynamic stability) performed at Invitae indicates that this missense variant is not expected to disrupt COL4A1 protein function. This variant has not been reported in the literature in individuals affected with COL4A1-related conditions. This variant is present in population databases (no rsID available, gnomAD 0.003%). This sequence change replaces serine, which is neutral and polar, with phenylalanine, which is neutral and non-polar, at codon 792 of the COL4A1 protein (p.Ser792Phe).